The following is an entry in ClinVar:

ClinVar aggregate classification (germline): Likely benign (1 of 4 stars; one submission).

gnomAD v4.1: 1 of 1,614,128 alleles (0.000062%); highest among the groups gnomAD compares: Admixed American, 0.0017%; no homozygotes.

Submission:

CeGaT Center for Human Genetics Tuebingen
Classification: Likely benign. Last evaluated: 2026-07-01. Review status: criteria provided, single submitter. Criteria: CeGaT Center For Human Genetics Tuebingen Variant Classification Criteria Version 2. Collection method: clinical testing. Allele origin: germline. Affected: yes. Observed: 1 variant allele.
Comment: FANCL: BP4

NM_018062.4(FANCL):c.584A>T (p.Glu195Val)

Gene: FANCL (FA complementation group L; minus strand). Cytogenetic location: 2p16.1.
Variant type: single nucleotide variant.
Coding change: c.584A>T on transcript NM_018062.4 (MANE Select); coding-DNA position 584, A replaced by T.
Protein change: p.Glu195Val; replaces glutamic acid 195 with valine.
Molecular consequence: missense variant. On other transcripts: non-coding transcript variant (2).
Genome position (GRCh38, 1-based): chr2:58,165,831, T>A on the plus strand (A>T on the coding strand, the complement: FANCL is on the minus strand). VCF-style: chr2-58165831-T-A. GRCh37 (hg19) VCF-style: chr2-58392966-T-A.
Other names: c.629A>T, p.Glu210Val (NM_001374615.1, NM_001438889.1); c.644A>T, p.Glu215Val (NM_001410792.1); c.599A>T, p.Glu200Val (NM_001438890.1, NM_001114636.2); c.584A>T, p.Glu195Val (NM_001438891.1); c.140A>T, p.Glu47Val (NM_001438892.1); short protein forms E195V, E200V, E210V, E215V, E47V.
Identifiers: ClinVar variation 5040417 (VCV005040417.1).